The following is an entry in ClinVar:

ClinVar aggregate classification (germline): Pathogenic. Review status: criteria provided, multiple submitters, no conflicts (2 of 4 stars). 3 submissions from 3 submitters: Pathogenic (3). Last evaluated 2022-03-15.

Conditions:
Neurofibromatosis, type 1 (NF1). Also called: Peripheral type neurofibromatosis; Neurofibromatosis, type I; VON RECKLINGHAUSEN DISEASE; NEUROFIBROMATOSIS, TYPE I, SOMATIC. Identifiers: Orphanet 636, MedGen C0027831, MONDO:0018975, OMIM 162200. Disease mechanism: loss of function.

Submissions (3):

Genome-Nilou Lab
Classification: Pathogenic for Neurofibromatosis, type 1. Last evaluated: 2022-03-15. Review status: criteria provided, single submitter. Criteria: ACMG Guidelines, 2015. Collection method: clinical testing. Allele origin: germline. Affected: no.

Genome Diagnostics Laboratory, The Hospital for Sick Children
Classification: Pathogenic for Neurofibromatosis, type 1. Last evaluated: 2020-10-26. Review status: criteria provided, single submitter. Criteria: ACMG Guidelines, 2015. Collection method: clinical testing. Allele origin: germline. Affected: yes.

Labcorp Genetics (formerly Invitae), Labcorp
Classification: Pathogenic for Neurofibromatosis, type 1. Last evaluated: 2019-04-04. Review status: criteria provided, single submitter. Criteria: Invitae Variant Classification Sherloc (09022015). Collection method: clinical testing. Allele origin: germline.
Comment: This sequence change creates a premature translational stop signal (p.Leu2142*) in the NF1 gene. It is expected to result in an absent or disrupted protein product. This variant is not present in population databases (ExAC no frequency). This variant has not been reported in the literature in individuals with NF1-related conditions. Loss-of-function variants in NF1 are known to be pathogenic (PMID: 10712197, 23913538). For these reasons, this variant has been classified as Pathogenic.

Literature cited by the submitters: PubMed 10712197 (cited by Labcorp Genetics (formerly Invitae), Labcorp); PubMed 23913538 (cited by Labcorp Genetics (formerly Invitae), Labcorp).

NM_001042492.3(NF1):c.6488T>A (p.Leu2163Ter)

Gene: NF1 (neurofibromin 1; plus strand). Cytogenetic location: 17q11.2.
Variant type: single nucleotide variant.
Coding change: c.6488T>A on transcript NM_001042492.3 (MANE Select); coding-DNA position 6488, T replaced by A.
Protein change: p.Leu2163Ter; replaces leucine 2163 with a stop codon.
Molecular consequence: nonsense.
Genome position (GRCh38, 1-based): chr17:31,337,428, T>A. VCF-style: chr17-31337428-T-A. GRCh37 (hg19) VCF-style: chr17-29664446-T-A.
Other names: c.6425T>A, p.Leu2142Ter (NM_000267.4); short protein forms L2163*, L2142*.
Identifiers: ClinVar variation 836119 (VCV000836119.9), dbSNP rs1353492847, ClinGen allele CA399013120.